The following is an entry in ClinVar:

NM_020975.6(RET):c.1715T>A (p.Val572Asp)

Gene: RET (ret proto-oncogene; plus strand). Cytogenetic location: 10q11.21.
Variant type: single nucleotide variant.
Coding change: c.1715T>A on transcript NM_020975.6 (MANE Select); coding-DNA position 1715, T replaced by A.
Protein change: p.Val572Asp; replaces valine 572 with aspartic acid.
Molecular consequence: missense variant.
Genome position (GRCh38, 1-based): chr10:43,112,919, T>A. VCF-style: chr10-43112919-T-A. GRCh37 (hg19) VCF-style: chr10-43608367-T-A.
Other names: c.953T>A, p.Val318Asp (NM_001355216.2); c.1715T>A, p.Val572Asp (NM_001406743.1, NM_001406744.1, NM_001406759.1 and 4 more transcripts); c.1586T>A, p.Val529Asp (NM_001406761.1, NM_001406762.1, NM_001406764.1 and 1 more transcripts); c.989T>A, p.Val330Asp (NM_001406775.1, NM_001406776.1, NM_001406777.1 and 1 more transcripts); c.818T>A, p.Val273Asp (NM_001406779.1, NM_001406780.1, NM_001406781.1 and 3 more transcripts); c.689T>A, p.Val230Asp (NM_001406783.1, NM_001406786.1); c.266T>A, p.Val89Asp (NM_001406794.1, NM_001406792.1, NM_001406793.1); c.1427T>A, p.Val476Asp (NM_001406766.1, NM_001406767.1, NM_001406770.1); and 5 more; short protein forms V177D, V230D, V476D, V242D, V397D, V426D, V273D, V330D.
Identifiers: ClinVar variation 3313747 (VCV003313747.1).

ClinVar aggregate classification (germline): Uncertain significance (1 of 4 stars; one submission).

Conditions:
Hereditary cancer-predisposing syndrome. Also called: Neoplastic Syndromes, Hereditary; Tumor predisposition; Hereditary neoplastic syndrome; Hereditary Cancer Syndrome. Identifiers: Orphanet 140162, MedGen C0027672, MeSH D009386, MONDO:0015356.

Submission:

Ambry Genetics
Classification: Uncertain significance for Hereditary cancer-predisposing syndrome. Last evaluated: 2024-06-14. Review status: criteria provided, single submitter. Criteria: Ambry Variant Classification Scheme 2023. Collection method: clinical testing. Allele origin: germline.
Comment: The p.V572D variant (also known as c.1715T>A), located in coding exon 9 of the RET gene, results from a T to A substitution at nucleotide position 1715. The valine at codon 572 is replaced by aspartic acid, an amino acid with highly dissimilar properties. This amino acid position is conserved. In addition, the in silico prediction for this alteration is inconclusive. Based on the available evidence, the clinical significance of this variant remains unclear.